The following is an entry in ClinVar:

ClinVar aggregate classification (germline): Likely benign (1 of 4 stars; one submission).

gnomAD v4.1: 69 of 1,614,156 alleles (0.0043%); highest among the groups gnomAD compares: African/African-American, 0.008%; no homozygotes.

Submission:

CeGaT Center for Human Genetics Tuebingen
Classification: Likely benign. Last evaluated: 2025-12-01. Review status: criteria provided, single submitter. Criteria: CeGaT Center For Human Genetics Tuebingen Variant Classification Criteria Version 2. Collection method: clinical testing. Allele origin: germline. Affected: yes. Observed: 1 variant allele.
Comment: HERC2: BP4, BP7

NM_004667.6(HERC2):c.11034C>T (p.Ser3678=)

Gene: HERC2 (HECT and RLD domain containing E3 ubiquitin protein ligase 2; minus strand). Cytogenetic location: 15q13.1.
Variant type: single nucleotide variant.
Coding change: c.11034C>T on transcript NM_004667.6 (MANE Select); coding-DNA position 11034, C replaced by T.
Protein change: p.Ser3678=; no amino-acid change (serine 3678 retained).
Molecular consequence: synonymous variant.
Genome position (GRCh38, 1-based): chr15:28,144,779, G>A on the plus strand (C>T on the coding strand, the complement: HERC2 is on the minus strand). VCF-style: chr15-28144779-G-A. GRCh37 (hg19) VCF-style: chr15-28389925-G-A.
Identifiers: ClinVar variation 4681471 (VCV004681471.5).
Genomic context (GRCh38, chr15:28,144,779, plus strand): 5'-ATTCACAGACCCATCGCTGATGAACTTCCACTTTAACTCATCCCCTGGGATGCGCAGCTC[G>A]CTGGACCAGTCGGACCACTCTCGGCCTGCGGGAGGAAAGCGCACCCCGGGGTTAGCTTCA-3'
Protein context (NP_004658.3, residues 3668-3688): RSGREWSDWS[Ser3678=]ELRIPGDELK